The following is an entry in ClinVar:

ClinVar aggregate classification (germline): Likely pathogenic (1 of 4 stars; one submission).

Submission:

GeneDx
Classification: Likely pathogenic. Last evaluated: 2026-04-15. Review status: criteria provided, single submitter. Criteria: GeneDx Variant Classification Process June 2021. Collection method: clinical testing. Allele origin: germline.
Comment: Nonsense variant predicted to result in protein truncation or nonsense mediated decay in a gene for which loss of function is a known mechanism of disease; Not observed at significant frequency in large population cohorts (gnomAD); Has not been previously published as pathogenic or benign to our knowledge; This variant is associated with the following publications: (PMID: 27535533)

NM_004667.6(HERC2):c.1128C>A (p.Tyr376Ter)

Gene: HERC2 (HECT and RLD domain containing E3 ubiquitin protein ligase 2; minus strand). Cytogenetic location: 15q13.1.
Variant type: single nucleotide variant.
Coding change: c.1128C>A on transcript NM_004667.6 (MANE Select); coding-DNA position 1128, C replaced by A.
Protein change: p.Tyr376Ter; replaces tyrosine 376 with a stop codon.
Molecular consequence: nonsense.
Genome position (GRCh38, 1-based): chr15:28,270,824, G>T on the plus strand (C>A on the coding strand, the complement: HERC2 is on the minus strand). VCF-style: chr15-28270824-G-T. GRCh37 (hg19) VCF-style: chr15-28515970-G-T.
Other names: short protein forms Y376*.
Identifiers: ClinVar variation 5037729 (VCV005037729.1).